The following is an entry in ClinVar:

ClinVar aggregate classification (germline): Uncertain significance. Review status: criteria provided, multiple submitters, no conflicts (2 of 4 stars). 3 submissions from 3 submitters: Uncertain significance (3). Last evaluated 2026-05-16.

Conditions:
PPP1R21-related disorder. Also called: PPP1R21-related condition.
Inborn genetic diseases. Identifiers: MedGen C0950123, MeSH D030342.

Allele frequency attached by ClinVar (database versions not stated): gnomAD 0.00004; gnomAD exomes 0.00007; TOPMed 0.00007; ESP Exome Variant Server 0.00008; ExAC 0.00012; 1000 Genomes Project 30x 0.00031; 1000 Genomes Project 0.00040.

Submissions (3):

PreventionGenetics, part of Exact Sciences
Classification: Uncertain significance for PPP1R21-related condition. Last evaluated: 2026-05-16. Review status: criteria provided, single submitter. Criteria: ACMG Guidelines, 2015. Collection method: clinical testing. Allele origin: germline.
Comment: The PPP1R21 c.764T>C variant is predicted to result in the amino acid substitution p.Ile255Thr. To our knowledge, this variant has not been reported in the literature. This variant is reported in 0.050% of alleles in individuals of South Asian descent in gnomAD. At this time, the clinical significance of this variant is uncertain due to the absence of conclusive functional and genetic evidence.

Women's Health and Genetics/Laboratory Corporation of America, LabCorp
Classification: Uncertain significance. Last evaluated: 2024-03-12. Review status: criteria provided, single submitter. Criteria: LabCorp Variant Classification Summary - May 2015. Collection method: clinical testing. Allele origin: germline.
Comment: Variant summary: PPP1R21 c.764T>C (p.Ile255Thr) results in a non-conservative amino acid change located in the Protein phosphatase 1 regulatory subunit 21, six-helix bundle domain (IPR019348) of the encoded protein sequence. Three of five in-silico tools predict a benign effect of the variant on protein function. The variant allele was found at a frequency of 0.00011 in 248962 control chromosomes. To our knowledge, no occurrence of c.764T>C in individuals affected with Neurodevelopmental Disorder With Hypotonia, Facial Dysmorphism, And Brain Abnormalities and no experimental evidence demonstrating its impact on protein function have been reported. ClinVar contains an entry for this variant (Variation ID: 2462431). Based on the evidence outlined above, the variant was classified as uncertain significance.

Ambry Genetics
Classification: Uncertain significance for Inborn genetic diseases. Last evaluated: 2023-02-07. Review status: criteria provided, single submitter. Criteria: Ambry Variant Classification Scheme 2023. Collection method: clinical testing. Allele origin: germline.

NM_001135629.3(PPP1R21):c.764T>C (p.Ile255Thr)

Gene: PPP1R21 (protein phosphatase 1 regulatory subunit 21; plus strand). Cytogenetic location: 2p16.3.
Variant type: single nucleotide variant.
Coding change: c.764T>C on transcript NM_001135629.3 (MANE Select); coding-DNA position 764, T replaced by C.
Protein change: p.Ile255Thr; replaces isoleucine 255 with threonine.
Molecular consequence: missense variant. On other transcripts: non-coding transcript variant (1).
Genome position (GRCh38, 1-based): chr2:48,465,509, T>C. VCF-style: chr2-48465509-T-C. GRCh37 (hg19) VCF-style: chr2-48692648-T-C.
Other names: c.764T>C, p.Ile255Thr (NM_001193475.2, NM_152994.5); short protein forms I255T.
Identifiers: ClinVar variation 2462431 (VCV002462431.5), dbSNP rs375292194, ClinGen allele CA1651036.